The following is an entry in ClinVar:

NM_000179.3(MSH6):c.1117C>A (p.Leu373Ile)

Gene: MSH6 (mutS homolog 6; plus strand). Cytogenetic location: 2p16.3.
Variant type: single nucleotide variant.
Coding change: c.1117C>A on transcript NM_000179.3 (MANE Select); coding-DNA position 1117, C replaced by A.
Protein change: p.Leu373Ile; replaces leucine 373 with isoleucine.
Molecular consequence: missense variant. On other transcripts: non-coding transcript variant (4), intron variant (1).
Genome position (GRCh38, 1-based): chr2:47,799,100, C>A. VCF-style: chr2-47799100-C-A. GRCh37 (hg19) VCF-style: chr2-48026239-C-A.
Other names: c.727C>A, p.Leu243Ile (NM_001281492.2); c.211C>A, p.Leu71Ile (NM_001281493.2, NM_001281494.2, NM_001406811.1 and 6 more transcripts); c.1213C>A, p.Leu405Ile (NM_001406795.1, NM_001406802.1); c.1117C>A, p.Leu373Ile (NM_001406796.1, NM_001406798.1, NM_001406800.1 and 4 more transcripts); c.820C>A, p.Leu274Ile (NM_001406797.1, NM_001406801.1, NM_001406805.1 and 10 more transcripts); c.592C>A, p.Leu198Ile (NM_001406799.1, NM_001406806.1, NM_001406807.1); c.1039C>A, p.Leu347Ile (NM_001406804.1); c.1123C>A, p.Leu375Ile (NM_001406813.1); and 2 more; short protein forms L274I, L243I, L373I, L71I, L347I, L375I, L405I, L198I.
Identifiers: ClinVar variation 4111235 (VCV004111235.1).

ClinVar aggregate classification (germline): Uncertain significance (1 of 4 stars; one submission).

Conditions:
Hereditary cancer-predisposing syndrome. Also called: Tumor predisposition; Neoplastic Syndromes, Hereditary; Hereditary neoplastic syndrome; Hereditary Cancer Syndrome. Identifiers: Orphanet 140162, MedGen C0027672, MeSH D009386, MONDO:0015356.

Submission:

Ambry Genetics
Classification: Uncertain significance for Hereditary cancer-predisposing syndrome. Last evaluated: 2025-08-28. Review status: criteria provided, single submitter. Criteria: Ambry Variant Classification Scheme 2023. Collection method: clinical testing. Allele origin: germline.
Comment: The p.L373I variant (also known as c.1117C>A), located in coding exon 4 of the MSH6 gene, results from a C to A substitution at nucleotide position 1117. The leucine at codon 373 is replaced by isoleucine, an amino acid with highly similar properties. This amino acid position is conserved. In addition, the in silico prediction for this alteration is inconclusive. Based on the available evidence, the clinical significance of this variant remains unclear.